The following is an entry in ClinVar:

NM_000214.3(JAG1):c.388-2A>C

Gene: JAG1 (jagged canonical Notch ligand 1; minus strand). Cytogenetic location: 20p12.2.
Variant type: single nucleotide variant.
Coding change: c.388-2A>C on transcript NM_000214.3 (MANE Select); the canonical splice acceptor site of the intron before coding-DNA position 388, A replaced by C.
Molecular consequence: splice acceptor variant.
Genome position (GRCh38, 1-based): chr20:10,664,016, T>G on the plus strand (A>C on the coding strand, the complement: JAG1 is on the minus strand). VCF-style: chr20-10664016-T-G. GRCh37 (hg19) VCF-style: chr20-10644664-T-G.
Identifiers: ClinVar variation 963974 (VCV000963974.11), dbSNP rs2067434947, ClinGen allele CA408242192.

ClinVar aggregate classification (germline): Pathogenic (1 of 4 stars; one submission).

Conditions:
Alagille syndrome due to a JAG1 point mutation. Also called: HEPATIC DUCTULAR HYPOPLASIA, SYNDROMATIC; Alagille Syndrome 1; JAG1-Related Alagille Syndrome. Identifiers: Orphanet 261619, Orphanet 52, MedGen C1956125, MONDO:0016862, OMIM 118450.

Submissions (2):

Labcorp Genetics (formerly Invitae), Labcorp
Classification: Pathogenic for Alagille syndrome due to a JAG1 point mutation. Last evaluated: 2020-03-12. Review status: criteria provided, single submitter. Criteria: Invitae Variant Classification Sherloc (09022015). Collection method: clinical testing. Allele origin: germline.
Comment: For these reasons, this variant has been classified as Pathogenic. Donor and acceptor splice site variants typically lead to a loss of protein function (PMID: 16199547), and loss-of-function variants in JAG1 are known to be pathogenic (PMID: 11180599). Algorithms developed to predict the effect of sequence changes on RNA splicing suggest that this variant may disrupt the consensus splice site, but this prediction has not been confirmed by published transcriptional studies. Disruption of this splice site has been observed in individual(s) with Alagille syndrome (PMID: 15712272). In at least one individual the variant was observed to be de novo. This variant is not present in population databases (ExAC no frequency). This sequence change affects an acceptor splice site in intron 2 of the JAG1 gene. It is expected to disrupt RNA splicing and likely results in an absent or disrupted protein product.

Dr. Peter K. Rogan Lab, Western University
No classification provided (evidence only). Condition: Ovarian serous cystadenocarcinoma. Review status: no classification provided. Collection method: in vitro. Allele origin: not applicable. Functional consequence: retained intron. Not counted in ClinVar's aggregate classification.

Literature cited by the submitters: PubMed 16199547 (cited by Labcorp Genetics (formerly Invitae), Labcorp); PubMed 11180599 (cited by Labcorp Genetics (formerly Invitae), Labcorp); PubMed 15712272 (cited by Labcorp Genetics (formerly Invitae), Labcorp).